The following is an entry in ClinVar:

ClinVar aggregate classification (germline): Uncertain significance (1 of 4 stars; one submission).

Submission:

Labcorp Genetics (formerly Invitae), Labcorp
Classification: Uncertain significance. Last evaluated: 2023-10-13. Review status: criteria provided, single submitter. Criteria: Invitae Variant Classification Sherloc (09022015). Collection method: clinical testing. Allele origin: germline.
Comment: This sequence change replaces glycine, which is neutral and non-polar, with arginine, which is basic and polar, at codon 710 of the HK1 protein (p.Gly710Arg). This variant is not present in population databases (gnomAD no frequency). This variant has not been reported in the literature in individuals affected with HK1-related conditions. ClinVar contains an entry for this variant (Variation ID: 1433021). Advanced modeling of protein sequence and biophysical properties (such as structural, functional, and spatial information, amino acid conservation, physicochemical variation, residue mobility, and thermodynamic stability) has been performed at Invitae for this missense variant, however the output from this modeling did not meet the statistical confidence thresholds required to predict the impact of this variant on HK1 protein function. In summary, the available evidence is currently insufficient to determine the role of this variant in disease. Therefore, it has been classified as a Variant of Uncertain Significance.

NM_000188.3(HK1):c.2128G>A (p.Gly710Arg)

Gene: HK1 (hexokinase 1; plus strand). Cytogenetic location: 10q22.1.
Variant type: single nucleotide variant.
Coding change: c.2128G>A on transcript NM_000188.3 (MANE Select); coding-DNA position 2128, G replaced by A.
Protein change: p.Gly710Arg; replaces glycine 710 with arginine.
Molecular consequence: missense variant.
Genome position (GRCh38, 1-based): chr10:69,392,217, G>A. VCF-style: chr10-69392217-G-A. GRCh37 (hg19) VCF-style: chr10-71151973-G-A.
Other names: c.2140G>A, p.Gly714Arg (NM_001322364.2, NM_001358263.1, NM_033497.3 and 1 more transcripts); c.2233G>A, p.Gly745Arg (NM_001322365.2); c.2044G>A, p.Gly682Arg (NM_001322366.1); c.2032G>A, p.Gly678Arg (NM_001322367.1); c.2125G>A, p.Gly709Arg (NM_033496.3); c.2092G>A, p.Gly698Arg (NM_033500.2); short protein forms G710R, G698R, G714R, G678R, G709R, G745R, G682R.
Identifiers: ClinVar variation 1433021 (VCV001433021.6), dbSNP rs2132939368, ClinGen allele CA376914740.